The following is an entry in ClinVar:

ClinVar aggregate classification (germline): Uncertain significance (1 of 4 stars; one submission).

gnomAD v4.1: 7 of 1,613,452 alleles (0.00043%); highest among the groups gnomAD compares: Non-Finnish European, 0.00059%; no homozygotes.

Submission:

Ambry Genetics
Classification: Uncertain significance. Last evaluated: 2026-02-24. Review status: criteria provided, single submitter. Criteria: Ambry Variant Classification Scheme 2023. Collection method: clinical testing. Allele origin: germline.
Comment: The c.9626A>G (p.E3209G) alteration is located in exon 61 (coding exon 61) of the MDN1 gene. This alteration results from a A to G substitution at nucleotide position 9626, causing the glutamic acid (E) at amino acid position 3209 to be replaced by a glycine (G). Based on data from gnomAD, the G allele has an overall frequency of <0.001% (1/250618) total alleles studied. The highest observed frequency was 0.001% (1/113152) of European (non-Finnish) alleles. Based on insufficient or conflicting evidence, the clinical significance of this alteration remains unclear.

NM_014611.3(MDN1):c.9626A>G (p.Glu3209Gly)

Gene: MDN1 (midasin AAA ATPase 1; minus strand). Cytogenetic location: 6q15.
Variant type: single nucleotide variant.
Coding change: c.9626A>G on transcript NM_014611.3 (MANE Select); coding-DNA position 9626, A replaced by G.
Protein change: p.Glu3209Gly; replaces glutamic acid 3209 with glycine.
Molecular consequence: missense variant.
Genome position (GRCh38, 1-based): chr6:89,695,750, T>C on the plus strand (A>G on the coding strand, the complement: MDN1 is on the minus strand). VCF-style: chr6-89695750-T-C. GRCh37 (hg19) VCF-style: chr6-90405469-T-C.
Other names: short protein forms E3209G.
Identifiers: ClinVar variation 4840397 (VCV004840397.1).